The following is an entry in ClinVar:

NM_030632.3(ASXL3):c.3001C>T (p.Gln1001Ter)

Gene: ASXL3 (ASXL transcriptional regulator 3; plus strand). Cytogenetic location: 18q12.1.
Variant type: single nucleotide variant.
Coding change: c.3001C>T on transcript NM_030632.3 (MANE Select); coding-DNA position 3001, C replaced by T.
Protein change: p.Gln1001Ter; replaces glutamine 1001 with a stop codon.
Molecular consequence: nonsense.
Genome position (GRCh38, 1-based): chr18:33,740,405, C>T. VCF-style: chr18-33740405-C-T. GRCh37 (hg19) VCF-style: chr18-31320369-C-T.
Other names: short protein forms Q1001*.
Identifiers: ClinVar variation 1190402 (VCV001190402.5), dbSNP rs2067642748, ClinGen allele CA402182052.

ClinVar aggregate classification (germline): Pathogenic/Likely pathogenic. Review status: criteria provided, multiple submitters, no conflicts (2 of 4 stars). 3 submissions from 3 submitters: Pathogenic (1); Likely pathogenic (2). Last evaluated 2022-01-01.

Conditions:
ASXL3-related disorder. Also called: ASXL3-related condition. Identifiers: MedGen CN381524.
Bainbridge-Ropers syndrome. Also called: Severe feeding difficulties-failure to thrive-microcephaly due to ASXL3 deficiency syndrome. Identifiers: Orphanet 352577, MedGen C4750837, MONDO:0014205, OMIM 615485.

Submissions (3):

Provincial Medical Genetics Program of British Columbia, University of British Columbia
Classification: Likely pathogenic for Bainbridge-Ropers syndrome. Last evaluated: 2022-01-01. Review status: criteria provided, single submitter. Criteria: ACMG Guidelines, 2015. Collection method: clinical testing. Allele origin: germline. Affected: yes.

GeneDx
Classification: Pathogenic. Last evaluated: 2021-02-19. Review status: criteria provided, single submitter. Criteria: GeneDx Variant Classification Process June 2021. Collection method: clinical testing. Allele origin: germline. Affected: yes.
Comment: Nonsense variant in the C-terminus predicted to result in protein truncation, as the last 1248 amino acids are lost, and other loss-of-function variants have been reported downstream in the Human Gene Mutation Database (Stenson et al., 2014); Not observed in large population cohorts (Lek et al., 2016); Has not been previously published as pathogenic or benign to our knowledge

Blueprint Genetics
Classification: Likely pathogenic for ASXL3-related disorders. Last evaluated: 2019-08-20. Review status: criteria provided, single submitter. Criteria: ACMG Guidelines, 2015. Collection method: clinical testing. Allele origin: germline. Affected: yes. Observed: 1 variant allele.